The following is an entry in ClinVar:

ClinVar aggregate classification (germline): Uncertain significance (1 of 4 stars; one submission).

Conditions:
Immunodeficiency 14 (IMD14A). Also called: ACTIVATED PI3K-DELTA SYNDROME 1; p110-DELTA-ACTIVATING MUTATION CAUSING SENESCENT T CELLS, LYMPHADENOPATHY, AND IMMUNODEFICIENCY; Activated PI3K Delta Syndrome Type 1 (APDS1); IMMUNODEFICIENCY 14A WITH LYMPHOPROLIFERATION, AUTOSOMAL DOMINANT. Identifiers: Orphanet 397596, Orphanet 693661, MedGen C5907821, MONDO:0014222, OMIM 615513.

Allele frequency attached by ClinVar (database versions not stated): gnomAD exomes below 0.00001.
gnomAD v4.1: 2 of 1,611,122 alleles (0.00012%); highest among the groups gnomAD compares: Non-Finnish European, 0.00017%; no homozygotes.

Submission:

Labcorp Genetics (formerly Invitae), Labcorp
Classification: Uncertain significance for Activated PI3K-delta syndrome. Last evaluated: 2023-04-30. Review status: criteria provided, single submitter. Criteria: Invitae Variant Classification Sherloc (09022015). Collection method: clinical testing. Allele origin: germline.
Comment: In summary, the available evidence is currently insufficient to determine the role of this variant in disease. Therefore, it has been classified as a Variant of Uncertain Significance. Advanced modeling of protein sequence and biophysical properties (such as structural, functional, and spatial information, amino acid conservation, physicochemical variation, residue mobility, and thermodynamic stability) performed at Invitae indicates that this missense variant is not expected to disrupt PIK3CD protein function. This variant has not been reported in the literature in individuals affected with PIK3CD-related conditions. This variant is not present in population databases (gnomAD no frequency). This sequence change replaces lysine, which is basic and polar, with glutamic acid, which is acidic and polar, at codon 372 of the PIK3CD protein (p.Lys372Glu).

NM_005026.5(PIK3CD):c.1114A>G (p.Lys372Glu)

Genes: PIK3CD (phosphatidylinositol-4,5-bisphosphate 3-kinase catalytic subunit delta; plus strand), LOC126805612 (MED14-independent group 3 enhancer GRCh37_chr1:9778914-9780113; plus strand). Cytogenetic location: 1p36.22.
Variant type: single nucleotide variant.
Coding change: c.1114A>G on transcript NM_005026.5 (MANE Select); coding-DNA position 1114, A replaced by G.
Protein change: p.Lys372Glu; replaces lysine 372 with glutamic acid.
Molecular consequence: missense variant.
Genome position (GRCh38, 1-based): chr1:9,718,787, A>G. VCF-style: chr1-9718787-A-G. GRCh37 (hg19) VCF-style: chr1-9778845-A-G.
Other names: c.1114A>G, p.Lys372Glu (NM_001350234.2); c.1027A>G, p.Lys343Glu (NM_001350235.1); short protein forms K372E, K343E.
Identifiers: ClinVar variation 3003474 (VCV003003474.3), dbSNP rs2524939898, ClinGen allele CA338302131.